The following is an entry in ClinVar:

ClinVar aggregate classification (germline): Uncertain significance (1 of 4 stars; one submission).

Conditions:
Familial cancer of breast. Also called: Hereditary breast cancer; hereditary breast carcinoma; BREAST CANCER, FAMILIAL. Identifiers: Orphanet 227535, MedGen C0346153, MONDO:0016419, OMIM 114480. Disease mechanism: loss of function.

Submission:

Labcorp Genetics (formerly Invitae), Labcorp
Classification: Uncertain significance for Familial cancer of breast. Last evaluated: 2025-11-24. Review status: criteria provided, single submitter. Criteria: Invitae Variant Classification Sherloc (09022015). Collection method: clinical testing. Allele origin: germline.
Comment: This sequence change replaces lysine, which is basic and polar, with threonine, which is neutral and polar, at codon 289 of the CHEK2 protein (p.Lys289Thr). This variant is not present in population databases (gnomAD no frequency). This variant has not been reported in the literature in individuals affected with CHEK2-related conditions. An algorithm developed to predict the effect of missense changes on protein structure and function (PolyPhen-2) suggests that this variant is likely to be disruptive. In summary, the available evidence is currently insufficient to determine the role of this variant in disease. Therefore, it has been classified as a Variant of Uncertain Significance.

NM_007194.4(CHEK2):c.866A>C (p.Lys289Thr)

Gene: CHEK2 (checkpoint kinase 2; minus strand). Cytogenetic location: 22q12.1.
Variant type: single nucleotide variant.
Coding change: c.866A>C on transcript NM_007194.4 (MANE Select); coding-DNA position 866, A replaced by C.
Protein change: p.Lys289Thr; replaces lysine 289 with threonine.
Molecular consequence: missense variant.
Genome position (GRCh38, 1-based): chr22:28,703,547, T>G on the plus strand (A>C on the coding strand, the complement: CHEK2 is on the minus strand). VCF-style: chr22-28703547-T-G. GRCh37 (hg19) VCF-style: chr22-29099535-T-G.
Other names: c.995A>C, p.Lys332Thr (NM_001005735.3, NM_001438294.1); c.203A>C, p.Lys68Thr (NM_001257387.3, NM_001437942.1); c.665A>C, p.Lys222Thr (NM_001349956.3); c.959A>C, p.Lys320Thr (NM_001438293.1, NM_001438295.1); c.866A>C, p.Lys289Thr (NM_145862.3); short protein forms K332T, K222T, K289T, K320T, K68T.
Identifiers: ClinVar variation 4731866 (VCV004731866.1).
Genomic context (GRCh38, chr22:28,703,547, plus strand): 5'-AAAAAGTTTACTACTTACAATTCCAAAACAATATAATAATCTTCTGCATCAAAAAAGTTT[T>G]TAATCTTGATGATGCAAGGCTAAGAAGAGGGGGAGAAAAAAGGGAAAGTAGTGAGAAACT-3'
Protein context (NP_009125.1, residues 279-299): KLNHPCIIKI[Lys289Thr]NFFDAEDYYI